The following is an entry in ClinVar:

NM_001022.4(RPS19):c.166C>G (p.Arg56Gly)

Genes: RPS19 (ribosomal protein S19; plus strand), RPS19-CD79A (RPS19-CD79A readthrough; plus strand). Cytogenetic location: 19q13.2.
Variant type: single nucleotide variant.
Coding change: c.166C>G on transcript NM_001022.4 (MANE Select); coding-DNA position 166, C replaced by G.
Protein change: p.Arg56Gly; replaces arginine 56 with glycine.
Molecular consequence: missense variant.
Genome position (GRCh38, 1-based): chr19:41,861,206, C>G. VCF-style: chr19-41861206-C-G. GRCh37 (hg19) VCF-style: chr19-42365275-C-G.
Other names: p.Arg56Gly; c.166C>G, p.Arg56Gly (NM_001321483.2, NM_001321484.2, NM_001321485.2); short protein forms R56G.
Identifiers: ClinVar variation 1705969 (VCV001705969.4), dbSNP rs2513667436, ClinGen allele CA406047286.

ClinVar aggregate classification (germline): Likely pathogenic (1 of 4 stars; one submission).

Submission:

Mayo Clinic Laboratories, Mayo Clinic
Classification: Likely pathogenic. Last evaluated: 2021-05-11. Review status: criteria provided, single submitter. Criteria: ACMG Guidelines, 2015. Collection method: clinical testing. Allele origin: germline.
Comment: PM1, PM2, PM5

Literature cited by the submitters: PubMed 12586610; PubMed 10590074; PubMed 28280134; PubMed 27601194; PubMed 18412286.